The following is an entry in ClinVar:

ClinVar aggregate classification (germline): Likely pathogenic (0 of 4 stars; one submission).

Conditions:
MAP2K1-related disorder. Also called: MAP2K1-related condition; MAP2K1-related disorders.

Submission:

PreventionGenetics, part of Exact Sciences
Classification: Likely pathogenic for MAP2K1-related condition. Last evaluated: 2024-05-29. Review status: no assertion criteria provided. Collection method: clinical testing. Allele origin: germline.
Comment: The MAP2K1 c.333_335delCAT variant is predicted to result in an in-frame deletion (p.Ile112del). To our knowledge, this variant has not been reported in the literature or in a large population database, indicating this variant is rare. This variant is interpreted as likely pathogenic.

NM_002755.4(MAP2K1):c.333_335del (p.Ile112del)

Gene: MAP2K1 (mitogen-activated protein kinase kinase 1; plus strand). Cytogenetic location: 15q22.31.
Variant type: Deletion.
Coding change: c.333_335del on transcript NM_002755.4 (MANE Select); coding-DNA positions 333 to 335, 3 bases deleted (CAT; older notation c.333_335delCAT).
Protein change: p.Ile112del; deletes isoleucine 112.
Molecular consequence: inframe deletion.
Genome position (GRCh38, 1-based): chr15:66,436,787-66,436,789, CAT deleted; deleting any 3 consecutive bases within chr15:66,436,785-66,436,789 gives the same sequence; the c. name uses the placement nearest the transcript's 3' end. VCF-style (leftmost placement, unchanged base first): chr15-66436784-GATC-G. GRCh37 (hg19) VCF-style: chr15-66729122-GATC-G.
Other names: c.267_269del, p.Ile90del (NM_001411065.1); short protein forms I112del, I90del.
Identifiers: ClinVar variation 3355185 (VCV003355185.1).
Genomic context (GRCh38, chr15:66,436,784, plus strand): 5'-TCTTTCTTCCACCTTTCTCCAGCTAATTCATCTGGAGATCAAACCCGCAATCCGGAACCA[GATC>G]ATAAGGGAGCTGCAGGTTCTGCATGAGTGCAACTCTCCGTACATCGTGGGCTTCTATGGT-3'